The following is an entry in ClinVar:

ClinVar aggregate classification (germline): Uncertain significance (1 of 4 stars; one submission).

gnomAD v4.1: 53 of 1,611,040 alleles (0.0033%); highest among the groups gnomAD compares: East Asian, 0.029%; no homozygotes.

Submission:

Dasa
Classification: Uncertain significance. Last evaluated: 2024-12-10. Review status: criteria provided, single submitter. Criteria: DASA Assertion Criteria. Collection method: clinical testing. Allele origin: germline.
Comment: NM_001077207.4(SEC31A):c.1835G>A (p.Arg612Gln) is a missense variant that results in the substitution of arginine with glutamine. This variant is rare in population databases. Computational prediction algorithms are consistent with a benign effect. The currently available literature and clinical evidence are not sufficient to establish a definitive association between this variant and the reported condition. Therefore, this variant is classified as a variant of uncertain significance.

NM_001077207.4(SEC31A):c.1835G>A (p.Arg612Gln)

Gene: SEC31A (SEC31 homolog A, COPII component; minus strand). Cytogenetic location: 4q21.22.
Variant type: single nucleotide variant.
Coding change: c.1835G>A on transcript NM_001077207.4 (MANE Select); coding-DNA position 1835, G replaced by A.
Protein change: p.Arg612Gln; replaces arginine 612 with glutamine.
Molecular consequence: missense variant.
Genome position (GRCh38, 1-based): chr4:82,856,998, C>T on the plus strand (G>A on the coding strand, the complement: SEC31A is on the minus strand). VCF-style: chr4-82856998-C-T. GRCh37 (hg19) VCF-style: chr4-83778151-C-T.
Other names: c.1835G>A, p.Arg612Gln (NM_001077206.4, NM_001077208.4, NM_001400164.1 and 17 more transcripts); c.1820G>A, p.Arg607Gln (NM_001191049.2, NM_001400212.1, NM_001400214.1); c.1718G>A, p.Arg573Gln (NM_001300744.3, NM_001300745.3, NM_001400167.1 and 10 more transcripts); c.1796G>A, p.Arg599Gln (NM_001400162.1, NM_001400165.1, NM_001400184.1 and 5 more transcripts); c.1757G>A, p.Arg586Gln (NM_001400180.1, NM_001400210.1, NM_001400211.1 and 7 more transcripts); c.1361G>A, p.Arg454Gln (NM_001400224.1); c.1556G>A, p.Arg519Gln (NM_001400215.1); short protein forms R454Q, R519Q, R573Q, R586Q, R599Q, R607Q, R612Q.
Identifiers: ClinVar variation 4880956 (VCV004880956.2).